The following is an entry in ClinVar:

ClinVar aggregate classification (germline): Uncertain significance (1 of 4 stars; one submission).

Submission:

Women's Health and Genetics/Laboratory Corporation of America, LabCorp
Classification: Uncertain significance. Last evaluated: 2024-05-16. Review status: criteria provided, single submitter. Criteria: LabCorp Variant Classification Summary - May 2015. Collection method: clinical testing. Allele origin: germline.
Comment: Variant summary: HECW2 c.4097A>T (p.His1366Leu) results in a non-conservative amino acid change located in the HECT domain (IPR000569) of the encoded protein sequence. Three of five in-silico tools predict a benign effect of the variant on protein function. The variant was absent in 251164 control chromosomes. The available data on variant occurrences in the general population are insufficient to allow any conclusion about variant significance. To our knowledge, no occurrence of c.4097A>T in individuals affected with Neurodevelopmental Disorder With Hypotonia, Seizures, And Absent Language and no experimental evidence demonstrating its impact on protein function have been reported. No submitters have cited clinical-significance assessments for this variant to ClinVar. Based on the evidence outlined above, the variant was classified as uncertain significance.

NM_001348768.2(HECW2):c.4097A>T (p.His1366Leu)

Gene: HECW2 (HECT, C2 and WW domain containing E3 ubiquitin protein ligase 2; minus strand). Cytogenetic location: 2q32.3.
Variant type: single nucleotide variant.
Coding change: c.4097A>T on transcript NM_001348768.2 (MANE Select); coding-DNA position 4097, A replaced by T.
Protein change: p.His1366Leu; replaces histidine 1366 with leucine.
Molecular consequence: missense variant.
Genome position (GRCh38, 1-based): chr2:196,222,260, T>A on the plus strand (A>T on the coding strand, the complement: HECW2 is on the minus strand). VCF-style: chr2-196222260-T-A. GRCh37 (hg19) VCF-style: chr2-197086984-T-A.
Other names: c.3029A>T, p.His1010Leu (NM_001304840.3); c.4097A>T, p.His1366Leu (NM_020760.4); short protein forms H1010L, H1366L.
Identifiers: ClinVar variation 3336561 (VCV003336561.1).